The following is an entry in ClinVar:

ClinVar aggregate classification (germline): Uncertain significance. Review status: criteria provided, multiple submitters, no conflicts (2 of 4 stars). 2 submissions from 2 submitters: Uncertain significance (2). Last evaluated 2021-07-12.

Conditions:
Inborn genetic diseases. Identifiers: MedGen C0950123, MeSH D030342.

Allele frequency attached by ClinVar (database versions not stated): ExAC 0.00002; gnomAD exomes 0.00006.
gnomAD v4.1: 18 of 1,612,236 alleles (0.0011%); highest among the groups gnomAD compares: Admixed American, 0.03%; no homozygotes.

Submissions (2):

Labcorp Genetics (formerly Invitae), Labcorp
Classification: Uncertain significance. Last evaluated: 2021-07-12. Review status: criteria provided, single submitter. Criteria: Invitae Variant Classification Sherloc (09022015). Collection method: clinical testing. Allele origin: germline.
Comment: This sequence change replaces glutamic acid with alanine at codon 195 of the HPGD protein (p.Glu195Ala). The glutamic acid residue is highly conserved and there is a moderate physicochemical difference between glutamic acid and alanine. This variant is present in population databases (rs750778750, ExAC 0.02%). This variant has not been reported in the literature in individuals affected with HPGD-related conditions. Algorithms developed to predict the effect of missense changes on protein structure and function (SIFT, PolyPhen-2, Align-GVGD) all suggest that this variant is likely to be tolerated. In summary, the available evidence is currently insufficient to determine the role of this variant in disease. Therefore, it has been classified as a Variant of Uncertain Significance.

Ambry Genetics
Classification: Uncertain significance for Inborn genetic diseases. Last evaluated: 2021-06-11. Review status: criteria provided, single submitter. Criteria: Ambry Variant Classification Scheme 2023. Collection method: clinical testing. Allele origin: germline.

NM_000860.6(HPGD):c.584A>C (p.Glu195Ala)

Gene: HPGD (15-hydroxyprostaglandin dehydrogenase; minus strand). Cytogenetic location: 4q34.1.
Variant type: single nucleotide variant.
Coding change: c.584A>C on transcript NM_000860.6 (MANE Select); coding-DNA position 584, A replaced by C.
Protein change: p.Glu195Ala; replaces glutamic acid 195 with alanine.
Molecular consequence: missense variant. On other transcripts: intron variant (2).
Genome position (GRCh38, 1-based): chr4:174,493,229, T>G on the plus strand (A>C on the coding strand, the complement: HPGD is on the minus strand). VCF-style: chr4-174493229-T-G. GRCh37 (hg19) VCF-style: chr4-175414380-T-G.
Other names: c.221A>C, p.Glu74Ala (NM_001256301.1, NM_001256307.2); c.380A>C, p.Glu127Ala (NM_001256306.2); c.422-1135A>C (NM_001256305.2); c.499-1135A>C (NM_001145816.3); c.584A>C (NM_000860.4); short protein forms E127A, E74A, E195A.
Identifiers: ClinVar variation 1502096 (VCV001502096.9), dbSNP rs750778750, ClinGen allele CA3142216.